The following is an entry in ClinVar:

ClinVar aggregate classification (germline): Uncertain significance (1 of 4 stars; one submission).

Conditions:
Cardiovascular phenotype. Identifiers: MedGen CN230736.

Submission:

Ambry Genetics
Classification: Uncertain significance for Cardiovascular phenotype. Last evaluated: 2021-03-25. Review status: criteria provided, single submitter. Criteria: Ambry Variant Classification Scheme 2023. Collection method: clinical testing. Allele origin: germline.
Comment: The p.Y1676C variant (also known as c.5027A>G), located in coding exon 8 of the ALMS1 gene, results from an A to G substitution at nucleotide position 5027. The tyrosine at codon 1676 is replaced by cysteine, an amino acid with highly dissimilar properties. This amino acid position is well conserved in available vertebrate species. In addition, the in silico prediction for this alteration is inconclusive. Since supporting evidence is limited at this time, the clinical significance of this alteration remains unclear.

NM_001378454.1(ALMS1):c.5024A>G (p.Tyr1675Cys)

Gene: ALMS1 (ALMS1 centrosome and basal body associated protein; plus strand). Cytogenetic location: 2p13.1.
Variant type: single nucleotide variant.
Coding change: c.5024A>G on transcript NM_001378454.1 (MANE Select); coding-DNA position 5024, A replaced by G.
Protein change: p.Tyr1675Cys; replaces tyrosine 1675 with cysteine.
Molecular consequence: missense variant.
Genome position (GRCh38, 1-based): chr2:73,451,551, A>G. VCF-style: chr2-73451551-A-G. GRCh37 (hg19) VCF-style: chr2-73678678-A-G.
Other names: c.5027A>G, p.Tyr1676Cys (NM_015120.4); short protein forms Y1675C, Y1676C.
Identifiers: ClinVar variation 1744864 (VCV001744864.2), dbSNP rs2466103631, ClinGen allele CA347279757.